The following is an entry in ClinVar:

ClinVar aggregate classification (germline): Likely benign (1 of 4 stars; one submission).

Allele frequency attached by ClinVar (database versions not stated): gnomAD 0.00003; gnomAD exomes 0.00004 and 0.00023; TOPMed 0.00010; ExAC 0.00022.
gnomAD v4.1: 68 of 1,613,462 alleles (0.0042%); highest among the groups gnomAD compares: Admixed American, 0.11%; no homozygotes.

Submission:

GeneDx
Classification: Likely benign. Last evaluated: 2017-03-24. Review status: criteria provided, single submitter. Criteria: GeneDx Variant Classification (06012015). Collection method: clinical testing. Allele origin: germline. Affected: yes.
Comment: This variant is considered likely benign or benign based on one or more of the following criteria: it is a conservative change, it occurs at a poorly conserved position in the protein, it is predicted to be benign by multiple in silico algorithms, and/or has population frequency not consistent with disease.

NM_004287.5(GOSR2):c.*18G>T

Genes: GOSR2 (golgi SNAP receptor complex member 2; plus strand), LRRC37A2 (leucine rich repeat containing 37 member A2). Cytogenetic location: 17q21.32.
Variant type: single nucleotide variant.
Coding change: c.*18G>T on transcript NM_004287.5 (MANE Select); 18 bases downstream of the stop codon, G replaced by T.
Molecular consequence: 3 prime UTR variant. On other transcripts: intron variant (3).
Genome position (GRCh38, 1-based): chr17:46,938,778, G>T. VCF-style: chr17-46938778-G-T. GRCh37 (hg19) VCF-style: chr17-45016144-G-T.
Other names: c.*18G>T (NM_001321134.2, NM_001330252.2, NM_001353114.2 and 2 more transcripts); c.583+74G>T (NM_001321133.2, NM_054022.4); c.439+74G>T (NM_001353116.2).
Identifiers: ClinVar variation 323827 (VCV000323827.5), dbSNP rs778066395, ClinGen allele CA8621371.
Genomic context (GRCh38, chr17:46,938,778, plus strand): 5'-GACCTGTGTGGTCATGTTCCTCGTGGTGCAGTACCTGACATGAGCCAGCCACGCTCAGTG[G>T]CTGAACAGCATTCCCACAGCCTGCAAGTGTGTGTGTGTGTGAAAGAGAGAGGGGGGCCCA-3'